The following is an entry in ClinVar:

ClinVar aggregate classification (germline): Conflicting classifications of pathogenicity. Review status: criteria provided, conflicting classifications (1 of 4 stars). 3 submissions from 3 submitters: Uncertain significance (2); Benign (1). Last evaluated 2024-08-12.

Conditions:
Adams-Oliver syndrome 5 (AOS5). Identifiers: Orphanet 974, MedGen C4014970, MONDO:0014459, OMIM 616028.
Familial thoracic aortic aneurysm and aortic dissection (TAAD). Also called: Thoracic aortic aneurysms and dissections. Identifiers: Orphanet 91387, MedGen C4707243, MONDO:0019625.

Allele frequency attached by ClinVar (database versions not stated): gnomAD exomes below 0.00001; ExAC 0.00001; gnomAD 0.00001; TOPMed 0.00003.
gnomAD v4.1: 10 of 1,596,616 alleles (0.00063%); highest among the groups gnomAD compares: African/African-American, 0.0053%; no homozygotes.

Submissions (3):

Labcorp Genetics (formerly Invitae), Labcorp
Classification: Benign for Adams-Oliver syndrome 5. Last evaluated: 2024-08-12. Review status: criteria provided, single submitter. Criteria: Invitae Variant Classification Sherloc (09022015). Collection method: clinical testing. Allele origin: germline.

GeneDx
Classification: Uncertain significance. Last evaluated: 2023-04-03. Review status: criteria provided, single submitter. Criteria: GeneDx Variant Classification Process June 2021. Collection method: clinical testing. Allele origin: germline. Affected: yes.
Comment: Has not been previously published as pathogenic or benign to our knowledge; Not observed at significant frequency in large population cohorts (gnomAD); In silico analysis supports that this missense variant does not alter protein structure/function

Ambry Genetics
Classification: Uncertain significance for Familial thoracic aortic aneurysm and aortic dissection. Last evaluated: 2021-10-07. Review status: criteria provided, single submitter. Criteria: Ambry Variant Classification Scheme 2023. Collection method: clinical testing. Allele origin: germline.
Comment: The p.A2452V variant (also known as c.7355C>T), located in coding exon 34 of the NOTCH1 gene, results from a C to T substitution at nucleotide position 7355. The alanine at codon 2452 is replaced by valine, an amino acid with similar properties. This amino acid position is conserved. In addition, this alteration is predicted to be tolerated by in silico analysis. Since supporting evidence is limited at this time, the clinical significance of this alteration remains unclear.

NM_017617.5(NOTCH1):c.7355C>T (p.Ala2452Val)

Gene: NOTCH1 (notch receptor 1; minus strand). Cytogenetic location: 9q34.3.
Variant type: single nucleotide variant.
Coding change: c.7355C>T on transcript NM_017617.5 (MANE Select); coding-DNA position 7355, C replaced by T.
Protein change: p.Ala2452Val; replaces alanine 2452 with valine.
Molecular consequence: missense variant.
Genome position (GRCh38, 1-based): chr9:136,496,384, G>A on the plus strand (C>T on the coding strand, the complement: NOTCH1 is on the minus strand). VCF-style: chr9-136496384-G-A. GRCh37 (hg19) VCF-style: chr9-139390836-G-A.
Other names: short protein forms A2452V.
Identifiers: ClinVar variation 1758470 (VCV001758470.6), dbSNP rs746280413, ClinGen allele CA5339693.